The following is an entry in ClinVar:

NM_003002.4(SDHD):c.52+1del

Genes: SDHD (succinate dehydrogenase complex subunit D; plus strand), LOC126861339 (BRD4-independent group 4 enhancer GRCh37_chr11:111957035-111958234; plus strand). Cytogenetic location: 11q23.1.
Variant type: Deletion.
Coding change: c.52+1del on transcript NM_003002.4 (MANE Select); the canonical splice donor site of the intron after coding-DNA position 52, one base deleted (G; older notation c.52+1delG).
Molecular consequence: splice donor variant.
Genome position (GRCh38, 1-based): chr11:112,086,960, G deleted; the last of 2 consecutive G bases (chr11:112,086,959-112,086,960); deleting either gives the same sequence. VCF-style (leftmost placement, unchanged base first): chr11-112086958-AG-A. GRCh37 (hg19) VCF-style: chr11-111957682-AG-A.
Other names: c.52+1del (NM_001276506.2, NM_001276503.2, NM_001276504.2).
Identifiers: ClinVar variation 5029377 (VCV005029377.1).

ClinVar aggregate classification (germline): Likely pathogenic (1 of 4 stars; one submission).

Conditions:
Hereditary cancer-predisposing syndrome. Also called: Neoplastic Syndromes, Hereditary; Tumor predisposition; Hereditary neoplastic syndrome; Hereditary Cancer Syndrome. Identifiers: Orphanet 140162, MedGen C0027672, MeSH D009386, MONDO:0015356.

Submission:

Ambry Genetics
Classification: Likely pathogenic for Hereditary cancer-predisposing syndrome. Last evaluated: 2026-07-17. Review status: criteria provided, single submitter. Criteria: Ambry Variant Classification Scheme 2023. Collection method: clinical testing. Allele origin: germline.
Comment: The c.52+1delG intronic variant, located in intron 1 of the SDHD gene, results from a deletion of one nucleotide within intron 1 of the SDHD gene. This variant is considered to be rare based on population cohorts in the Genome Aggregation Database (gnomAD). This nucleotide position is highly conserved in available vertebrate species. In silico splice site analysis predicts that this alteration will weaken the native splice donor site and will result in the creation or strengthening of a novel splice donor site. Variants that disrupt the canonical splice site are expected to cause aberrant splicing, resulting in an abnormal protein or a transcript that is subject to nonsense-mediated mRNA decay. As such, this variant is classified as likely pathogenic.